The following is an entry in ClinVar:

ClinVar aggregate classification (germline): Uncertain significance. Review status: criteria provided, single submitter (1 of 4 stars). 2 submissions from 1 submitter: Uncertain significance (1). 1 of the submissions does not count toward it. Last evaluated 2024-04-04.

Conditions:
Oculocerebrofacial syndrome, Kaufman type. Also called: Blepharophimosis-ptosis-intellectual disability syndrome. Identifiers: Orphanet 2707, MedGen C1855663, MONDO:0009485, OMIM 244450.

Submissions (2):

Genomic Medicine Center of Excellence, King Faisal Specialist Hospital and Research Centre
Classification: Uncertain significance for Oculocerebrofacial syndrome, Kaufman type. Last evaluated: 2024-04-04. Review status: criteria provided, single submitter. Criteria: ACMG Guidelines, 2015. Collection method: clinical testing. Allele origin: germline.

Genomic Medicine Center of Excellence, King Faisal Specialist Hospital and Research Centre
Classification: Likely pathogenic. Review status: flagged submission. Criteria: ACMG Guidelines, 2015. Collection method: research. Allele origin: germline. Affected: yes. Not counted in ClinVar's aggregate classification.
ClinVar note: Reason: This record appears to be redundant with a more recent record from the same submitter.
ClinVar note: Notes: SCV000221670 appears to be redundant with SCV004810070.

NM_130466.4(UBE3B):c.1689CTC[1] (p.Ser565del)

Gene: UBE3B (ubiquitin protein ligase E3B; plus strand). Cytogenetic location: 12q24.11.
Variant type: Microsatellite.
Coding change: c.1689CTC[1] on transcript NM_130466.4 (MANE Select); one copy of the 3-base unit CTC starting at c.1689; the reference has two copies in a row; one copy, 3 bases deleted.
Protein change: p.Ser565del; deletes serine 565.
Molecular consequence: inframe deletion.
Genome position (GRCh38, 1-based): chr12:109,509,665-109,509,667, CTC deleted; deleting any 3 consecutive bases within chr12:109,509,662-109,509,667 gives the same sequence; the position shown is the placement nearest the transcript's 3' end. VCF-style (leftmost placement, unchanged base first): chr12-109509661-TCTC-T. GRCh37 (hg19) VCF-style: chr12-109947466-TCTC-T.
Other names: c.1689CTC[1], p.Ser565del (NM_183415.3); c.1692_1694del (NM_183415.3); short protein forms S565del.
Identifiers: ClinVar variation 191280 (VCV000191280.2), dbSNP rs786205621, ClinGen allele CA236397.
Genomic context (GRCh38, chr12:109,509,661, plus strand): 5'-TTGATGACATTGAAGTTTATGAAGAACAGATTTCATTCAAACTGGAAGAGCTGGTCACTA[TCTC>T]CTCTTTCCTGAATTCTTTTGTGTTTAAGATGATCTGGGATGGAATTGTAGGTAAGAGAAA-3'